The following is an entry in ClinVar:

NM_005751.5(AKAP9):c.3553C>A (p.His1185Asn)

Gene: AKAP9 (A-kinase anchoring protein 9; plus strand). Cytogenetic location: 7q21.2.
Variant type: single nucleotide variant.
Coding change: c.3553C>A on transcript NM_005751.5 (MANE Select); coding-DNA position 3553, C replaced by A.
Protein change: p.His1185Asn; replaces histidine 1185 with asparagine.
Molecular consequence: missense variant.
Genome position (GRCh38, 1-based): chr7:92,014,269, C>A. VCF-style: chr7-92014269-C-A. GRCh37 (hg19) VCF-style: chr7-91643583-C-A.
Other names: c.3553C>A, p.His1185Asn (NM_147185.3); short protein forms H1185N.
Identifiers: ClinVar variation 2041008 (VCV002041008.7), dbSNP rs747777578, ClinGen allele CA4336332.

ClinVar aggregate classification (germline): Uncertain significance. Review status: criteria provided, multiple submitters, no conflicts (2 of 4 stars). 2 submissions from 2 submitters: Uncertain significance (2). Last evaluated 2025-05-26.

Conditions:
Long QT syndrome (LQTS). Identifiers: MedGen C0023976, MeSH D008133, MONDO:0002442. Disease mechanism: loss of function. Inheritance: Various modes of inheritance.
Cardiovascular phenotype. Identifiers: MedGen CN230736.

Allele frequency attached by ClinVar (database versions not stated): ExAC 0.00001; gnomAD exomes 0.00001.
gnomAD v4.1: 9 of 1,612,756 alleles (0.00056%); highest among the groups gnomAD compares: Middle Eastern, 0.017%; no homozygotes.

Submissions (2):

Ambry Genetics
Classification: Uncertain significance for Cardiovascular phenotype. Last evaluated: 2025-05-26. Review status: criteria provided, single submitter. Criteria: Ambry Variant Classification Scheme 2023. Collection method: clinical testing. Allele origin: germline.
Comment: The p.H1185N variant (also known as c.3553C>A), located in coding exon 10 of the AKAP9 gene, results from a C to A substitution at nucleotide position 3553. The histidine at codon 1185 is replaced by asparagine, an amino acid with similar properties. This amino acid position is conserved. In addition, this alteration is predicted to be tolerated by in silico analysis. Since supporting evidence is limited at this time, the clinical significance of this alteration remains unclear.

Labcorp Genetics (formerly Invitae), Labcorp
Classification: Uncertain significance for Long QT syndrome. Last evaluated: 2024-11-05. Review status: criteria provided, single submitter. Criteria: Invitae Variant Classification Sherloc (09022015). Collection method: clinical testing. Allele origin: germline.
Comment: This sequence change replaces histidine, which is basic and polar, with asparagine, which is neutral and polar, at codon 1185 of the AKAP9 protein (p.His1185Asn). This variant is not present in population databases (gnomAD no frequency). This variant has not been reported in the literature in individuals affected with AKAP9-related conditions. ClinVar contains an entry for this variant (Variation ID: 2041008). An algorithm developed to predict the effect of missense changes on protein structure and function (PolyPhen-2) suggests that this variant is likely to be tolerated. In summary, the available evidence is currently insufficient to determine the role of this variant in disease. Therefore, it has been classified as a Variant of Uncertain Significance.